The following is an entry in ClinVar:

ClinVar aggregate classification (germline): Benign/Likely benign. Review status: criteria provided, multiple submitters, no conflicts (2 of 4 stars). 6 submissions from 6 submitters: Benign (3); Likely benign (3). Last evaluated 2026-01-28.

Conditions:
Dyskeratosis congenita. Identifiers: Orphanet 1775, MedGen C0265965, MONDO:0015780.
Cerebroretinal microangiopathy with calcifications and cysts 1 (CRMCC1). Identifiers: Orphanet 313838, MedGen C4552029, MONDO:0024564, OMIM 612199.

Allele frequency attached by ClinVar (database versions not stated): 1000 Genomes Project 0.00399; 1000 Genomes Project 30x 0.00406; gnomAD exomes 0.00017 and 0.00079; gnomAD 0.00029 and 0.00051; TOPMed 0.00035; ExAC 0.00103.
gnomAD v4.1: 373 of 1,552,410 alleles (0.024%); highest among the groups gnomAD compares: East Asian, 0.42%; 4 homozygotes.

Submissions (6):

Labcorp Genetics (formerly Invitae), Labcorp
Classification: Benign for Dyskeratosis congenita. Last evaluated: 2026-01-28. Review status: criteria provided, single submitter. Criteria: Invitae Variant Classification Sherloc (09022015). Collection method: clinical testing. Allele origin: germline.

Blueprint Genetics
Classification: Likely benign. Last evaluated: 2024-11-20. Review status: criteria provided, single submitter. Criteria: ACMG Guidelines, 2015. Collection method: clinical testing. Allele origin: germline.

Sema4
Classification: Likely benign for Dyskeratosis congenita. Last evaluated: 2021-07-21. Review status: criteria provided, single submitter. Criteria: Sema4 Curation Guidelines. Collection method: curation. Allele origin: germline.

Genome-Nilou Lab
Classification: Benign for Cerebroretinal microangiopathy with calcifications and cysts 1. Last evaluated: 2021-07-15. Review status: criteria provided, single submitter. Criteria: ACMG Guidelines, 2015. Collection method: clinical testing. Allele origin: germline. Affected: no.

Genetic Services Laboratory, University of Chicago
Classification: Likely benign. Last evaluated: 2018-06-05. Review status: criteria provided, single submitter. Criteria: ACMG Guidelines, 2015. Collection method: clinical testing. Allele origin: germline. Affected: no.

Illumina Laboratory Services, Illumina
Classification: Benign for Dyskeratosis congenita. Last evaluated: 2018-01-12. Review status: criteria provided, single submitter. Criteria: ICSL Variant Classification Criteria 13 December 2019. Collection method: clinical testing. Allele origin: germline.
Comment: This variant was observed in the ICSL laboratory as part of a predisposition screen in an ostensibly healthy population. It had not been previously curated by ICSL or reported in the Human Gene Mutation Database (HGMD: prior to June 1st, 2018), and was therefore a candidate for classification through an automated scoring system. Utilizing variant allele frequency, disease prevalence and penetrance estimates, and inheritance mode, an automated score was calculated to assess if this variant is too frequent to cause the disease. Based on the score and internal cut-off values, a variant classified as benign is not then subjected to further curation. The score for this variant resulted in a classification of benign for this disease.

NM_025099.6(CTC1):c.1795C>T (p.Pro599Ser)

Gene: CTC1 (CST telomere replication complex component 1; minus strand). Cytogenetic location: 17p13.1.
Variant type: single nucleotide variant.
Coding change: c.1795C>T on transcript NM_025099.6 (MANE Select); coding-DNA position 1795, C replaced by T.
Protein change: p.Pro599Ser; replaces proline 599 with serine.
Molecular consequence: missense variant. On other transcripts: non-coding transcript variant (1).
Genome position (GRCh38, 1-based): chr17:8,234,478, G>A on the plus strand (C>T on the coding strand, the complement: CTC1 is on the minus strand). VCF-style: chr17-8234478-G-A. GRCh37 (hg19) VCF-style: chr17-8137796-G-A.
Other names: short protein forms P599S.
Identifiers: ClinVar variation 326077 (VCV000326077.21), dbSNP rs183556317, ClinGen allele CA8372259.